The following is an entry in ClinVar:

NM_001387283.1(SMARCA4):c.4227A>T (p.Gln1409His)

Gene: SMARCA4 (SWI/SNF related BAF chromatin remodeling complex subunit ATPase 4; plus strand). Cytogenetic location: 19p13.2.
Variant type: single nucleotide variant.
Coding change: c.4227A>T on transcript NM_001387283.1 (MANE Plus Clinical); coding-DNA position 4227, A replaced by T.
Protein change: p.Gln1409His; replaces glutamine 1409 with histidine.
Molecular consequence: missense variant. On other transcripts: intron variant (7).
Genome position (GRCh38, 1-based): chr19:11,039,514, A>T. VCF-style: chr19-11039514-A-T. GRCh37 (hg19) VCF-style: chr19-11150190-A-T.
Other names: c.4227A>T, p.Gln1409His (NM_001128849.3); c.4128A>T, p.Gln1376His (NM_001411150.1); c.4171-1793A>T (NM_001128844.3, NM_003072.5); c.4072-1793A>T (NM_001128847.4, NM_001374457.1, NM_001128848.2); c.4072-1784A>T (NM_001128845.2, NM_001128846.2); short protein forms Q1376H, Q1409H.
Identifiers: ClinVar variation 4731341 (VCV004731341.1).

ClinVar aggregate classification (germline): Uncertain significance (1 of 4 stars; one submission).

Conditions:
Rhabdoid tumor predisposition syndrome 2 (RTPS2). Identifiers: Orphanet 231108, Orphanet 69077, MedGen C2750074, MONDO:0013224, OMIM 613325.

Submission:

Labcorp Genetics (formerly Invitae), Labcorp
Classification: Uncertain significance for Rhabdoid tumor predisposition syndrome 2. Last evaluated: 2025-12-21. Review status: criteria provided, single submitter. Criteria: Invitae Variant Classification Sherloc (09022015). Collection method: clinical testing. Allele origin: germline.
Comment: This sequence change replaces glutamine, which is neutral and polar, with histidine, which is basic and polar, at codon 1409 of the SMARCA4 protein (p.Gln1409His). This variant is not present in population databases (gnomAD no frequency). This variant has not been reported in the literature in individuals affected with SMARCA4-related conditions. An algorithm developed to predict the effect of missense changes on protein structure and function (PolyPhen-2) suggests that this variant is likely to be tolerated. In summary, the available evidence is currently insufficient to determine the role of this variant in disease. Therefore, it has been classified as a Variant of Uncertain Significance.